The following is an entry in ClinVar:

ClinVar aggregate classification (germline): Uncertain significance (1 of 4 stars; one submission).

gnomAD v4.1: 1 of 1,580,658 alleles (0.000063%); no homozygotes.

Submission:

GeneDx
Classification: Uncertain significance. Last evaluated: 2024-07-18. Review status: criteria provided, single submitter. Criteria: GeneDx Variant Classification Process June 2021. Collection method: clinical testing. Allele origin: germline. Affected: yes.
Comment: Not observed at significant frequency in large population cohorts (gnomAD); Canonical splice site variant in a gene or region of a gene for which loss of function is not a well-established mechanism of disease; Has not been previously published as pathogenic or benign to our knowledge

NM_002576.5(PAK1):c.1413+1G>T

Gene: PAK1 (p21 (RAC1) activated kinase 1; minus strand). Cytogenetic location: 11q13.5.
Variant type: single nucleotide variant.
Coding change: c.1413+1G>T on transcript NM_002576.5 (MANE Select); the canonical splice donor site of the intron after coding-DNA position 1413, G replaced by T.
Molecular consequence: splice donor variant.
Genome position (GRCh38, 1-based): chr11:77,336,085, C>A on the plus strand (G>T on the coding strand, the complement: PAK1 is on the minus strand). VCF-style: chr11-77336085-C-A. GRCh37 (hg19) VCF-style: chr11-77047130-C-A.
Other names: c.1119+1G>T (NM_001376304.1, NM_001376305.1, NM_001376302.1); c.1413+1G>T (NM_001376273.1, NM_001376268.1, NM_001128620.2 and 21 more transcripts); c.1164+1G>T (NM_001376301.1); c.1290+1G>T (NM_001376290.1, NM_001376291.1); c.1125+1G>T (NM_001376303.1); c.1236+1G>T (NM_001376295.1); c.1434+1G>T (NM_001376272.1); c.1404+1G>T (NM_001376294.1).
Identifiers: ClinVar variation 3573611 (VCV003573611.1).